The following is an entry in ClinVar:

ClinVar aggregate classification (germline): Pathogenic (1 of 4 stars; one submission).

Submission:

GeneDx
Classification: Pathogenic. Last evaluated: 2022-11-02. Review status: criteria provided, single submitter. Criteria: GeneDx Variant Classification Process June 2021. Collection method: clinical testing. Allele origin: germline. Affected: yes.
Comment: Nonsense variant predicted to result in protein truncation or nonsense mediated decay in a gene for which loss of function is a known mechanism of disease; Not observed at significant frequency in large population cohorts (gnomAD); This variant is associated with the following publications: (PMID: 24714694)

NM_001079668.3(NKX2-1):c.326C>A (p.Ser109Ter)

Genes: NKX2-1 (NK2 homeobox 1; minus strand), SFTA3 (surfactant associated 3; minus strand). Cytogenetic location: 14q13.3.
Variant type: single nucleotide variant.
Coding change: c.326C>A on transcript NM_001079668.3 (MANE Select); coding-DNA position 326, C replaced by A.
Protein change: p.Ser109Ter; replaces serine 109 with a stop codon.
Molecular consequence: nonsense.
Genome position (GRCh38, 1-based): chr14:36,519,122, G>T on the plus strand (C>A on the coding strand, the complement: NKX2-1 is on the minus strand). VCF-style: chr14-36519122-G-T. GRCh37 (hg19) VCF-style: chr14-36988327-G-T.
Other names: c.236C>A, p.Ser79Ter (NM_003317.4); short protein forms S109*, S79*.
Identifiers: ClinVar variation 1722935 (VCV001722935.2), dbSNP rs2139411895, ClinGen allele CA389460804.